The following is an entry in ClinVar:

ClinVar aggregate classification (germline): Uncertain significance (1 of 4 stars; one submission).

Submission:

Labcorp Genetics (formerly Invitae), Labcorp
Classification: Uncertain significance. Last evaluated: 2021-03-29. Review status: criteria provided, single submitter. Criteria: Invitae Variant Classification Sherloc (09022015). Collection method: clinical testing. Allele origin: germline.
Comment: In summary, the available evidence is currently insufficient to determine the role of this variant in disease. Therefore, it has been classified as a Variant of Uncertain Significance. Experimental studies and prediction algorithms are not available or were not evaluated, and the functional significance of this variant is currently unknown. This variant has not been reported in the literature in individuals with CLTC-related conditions. This variant is a gross deletion of the genomic region encompassing exon(s) 7-10 of the CLTC gene. This variant would be expected to be in-frame, preserving the integrity of the reading frame.

NC_000017.10:g.(?_57737732)_(57742290_?)del

Gene: CLTC (clathrin heavy chain; plus strand). Cytogenetic location: 17q23.1.
Variant type: Deletion.
Identifiers: ClinVar variation 1511637 (VCV001511637.6).